The following is an entry in ClinVar:

ClinVar aggregate classification (germline): Uncertain significance (1 of 4 stars; one submission).

Submission:

Labcorp Genetics (formerly Invitae), Labcorp
Classification: Uncertain significance. Last evaluated: 2025-06-02. Review status: criteria provided, single submitter. Criteria: Invitae Variant Classification Sherloc (09022015). Collection method: clinical testing. Allele origin: germline.
Comment: This sequence change creates a premature translational stop signal (p.Trp361*) in the P2RX2 gene. It is expected to result in an absent or disrupted protein product. However, the current clinical and genetic evidence is not sufficient to establish whether loss-of-function variants in P2RX2 cause disease. This variant is not present in population databases (gnomAD no frequency). This variant has not been reported in the literature in individuals affected with P2RX2-related conditions. Algorithms developed to predict the effect of sequence changes on RNA splicing suggest that this variant may disrupt the consensus splice site. In summary, the available evidence is currently insufficient to determine the role of this variant in disease. Therefore, it has been classified as a Variant of Uncertain Significance.

NM_170682.4(P2RX2):c.1083G>A (p.Trp361Ter)

Gene: P2RX2 (purinergic receptor P2X 2; plus strand). Cytogenetic location: 12q24.33.
Variant type: single nucleotide variant.
Coding change: c.1083G>A on transcript NM_170682.4 (MANE Select); coding-DNA position 1083, G replaced by A.
Protein change: p.Trp361Ter; replaces tryptophan 361 with a stop codon.
Molecular consequence: nonsense. On other transcripts: 3 prime UTR variant (1).
Genome position (GRCh38, 1-based): chr12:132,621,639, G>A. VCF-style: chr12-132621639-G-A. GRCh37 (hg19) VCF-style: chr12-133198225-G-A.
Other names: c.981G>A, p.Trp327Ter (NM_001282164.2); c.*130G>A (NM_001282165.2); c.867G>A, p.Trp289Ter (NM_012226.5); c.1011G>A, p.Trp337Ter (NM_016318.4); c.1161G>A, p.Trp387Ter (NM_170683.4); c.807G>A, p.Trp269Ter (NM_174872.3); c.1083G>A, p.Trp361Ter (NM_174873.3); short protein forms W337*, W361*, W327*, W269*, W289*, W387*.
Identifiers: ClinVar variation 4743286 (VCV004743286.1).